The following is an entry in ClinVar:

NM_005732.4(RAD50):c.173C>G (p.Pro58Arg)

Gene: RAD50 (RAD50 double strand break repair protein; plus strand). Cytogenetic location: 5q31.1.
Variant type: single nucleotide variant.
Coding change: c.173C>G on transcript NM_005732.4 (MANE Select); coding-DNA position 173, C replaced by G.
Protein change: p.Pro58Arg; replaces proline 58 with arginine.
Molecular consequence: missense variant.
Genome position (GRCh38, 1-based): chr5:132,559,327, C>G. VCF-style: chr5-132559327-C-G. GRCh37 (hg19) VCF-style: chr5-131895019-C-G.
Other names: short protein forms P58R.
Identifiers: ClinVar variation 2565946 (VCV002565946.2), dbSNP rs2149831299, ClinGen allele CA360953471.

ClinVar aggregate classification (germline): Uncertain significance (1 of 4 stars; one submission).

Conditions:
Hereditary cancer-predisposing syndrome. Also called: Neoplastic Syndromes, Hereditary; Hereditary Cancer Syndrome; Hereditary neoplastic syndrome; Tumor predisposition. Identifiers: Orphanet 140162, MedGen C0027672, MeSH D009386, MONDO:0015356.

Submission:

Ambry Genetics
Classification: Uncertain significance for Hereditary cancer-predisposing syndrome. Last evaluated: 2023-05-14. Review status: criteria provided, single submitter. Criteria: Ambry Variant Classification Scheme 2023. Collection method: clinical testing. Allele origin: germline.
Comment: The p.P58R variant (also known as c.173C>G), located in coding exon 2 of the RAD50 gene, results from a C to G substitution at nucleotide position 173. The proline at codon 58 is replaced by arginine, an amino acid with dissimilar properties. This amino acid position is conserved. In addition, the in silico prediction for this alteration is inconclusive. Since supporting evidence is limited at this time, the clinical significance of this alteration remains unclear.